The following is an entry in ClinVar:

NM_001382391.1(CSPP1):c.1842A>C (p.Glu614Asp)

Gene: CSPP1 (centrosome and spindle pole associated protein 1; plus strand). Cytogenetic location: 8q13.2.
Variant type: single nucleotide variant.
Coding change: c.1842A>C on transcript NM_001382391.1 (MANE Select); coding-DNA position 1842, A replaced by C.
Protein change: p.Glu614Asp; replaces glutamic acid 614 with aspartic acid.
Molecular consequence: missense variant.
Genome position (GRCh38, 1-based): chr8:67,137,470, A>C. VCF-style: chr8-67137470-A-C. GRCh37 (hg19) VCF-style: chr8-68049705-A-C.
Other names: c.945A>C, p.Glu315Asp (NM_001291339.2); c.1761A>C, p.Glu587Asp (NM_001363131.2); c.1800A>C, p.Glu600Asp (NM_001363132.2); c.1719A>C, p.Glu573Asp (NM_001363133.2); c.1908A>C, p.Glu636Asp (NM_001364869.1); c.1728A>C, p.Glu576Asp (NM_001364870.1); c.1827A>C, p.Glu609Asp (NM_024790.7); short protein forms E614D, E315D, E636D, E576D, E587D, E600D, E573D, E609D.
Identifiers: ClinVar variation 1378211 (VCV001378211.7), dbSNP rs759299114, ClinGen allele CA4770680.
Genomic context (GRCh38, chr8:67,137,470, plus strand): 5'-AGAATACTTGTCAGCGTTTATTTTAAATATATCTTATGTTGTCAAGATTCGGGAAAGAGA[A>C]GAAAGAAGGAAGAAAGAACGTGAAGAAAAAGAAGAATATGAAGCTAAATTAGAAGCTGAA-3'
Protein context (NP_001369320.1, residues 604-624): EALQQQIRER[Glu614Asp]ERRKKEREEK

ClinVar aggregate classification (germline): Uncertain significance. Review status: criteria provided, multiple submitters, no conflicts (2 of 4 stars). 2 submissions from 2 submitters: Uncertain significance (2). Last evaluated 2025-08-28.

Conditions:
Joubert syndrome 21 (JBTS21). Identifiers: MedGen C3810212, MONDO:0014288, OMIM 615636.
Inborn genetic diseases. Identifiers: MedGen C0950123, MeSH D030342.

Allele frequency attached by ClinVar (database versions not stated): gnomAD exomes 0.00001 and 0.00005; TOPMed 0.00003; ExAC 0.00007.
gnomAD v4.1: 12 of 1,528,558 alleles (0.00079%); highest among the groups gnomAD compares: Admixed American, 0.012%; no homozygotes.

Submissions (2):

Ambry Genetics
Classification: Uncertain significance for Inborn genetic diseases. Last evaluated: 2025-08-28. Review status: criteria provided, single submitter. Criteria: Ambry Variant Classification Scheme 2023. Collection method: clinical testing. Allele origin: germline.

Labcorp Genetics (formerly Invitae), Labcorp
Classification: Uncertain significance for Joubert syndrome 21. Last evaluated: 2024-09-30. Review status: criteria provided, single submitter. Criteria: Invitae Variant Classification Sherloc (09022015). Collection method: clinical testing. Allele origin: germline.
Comment: This sequence change replaces glutamic acid, which is acidic and polar, with aspartic acid, which is acidic and polar, at codon 609 of the CSPP1 protein (p.Glu609Asp). The frequency data for this variant in the population databases is considered unreliable, as metrics indicate poor data quality at this position in the gnomAD database. This variant has not been reported in the literature in individuals affected with CSPP1-related conditions. ClinVar contains an entry for this variant (Variation ID: 1378211). An algorithm developed to predict the effect of missense changes on protein structure and function (PolyPhen-2) suggests that this variant is likely to be disruptive. In summary, the available evidence is currently insufficient to determine the role of this variant in disease. Therefore, it has been classified as a Variant of Uncertain Significance.